The following is an entry in ClinVar:

NM_001510.4(GRID2):c.142G>A (p.Val48Ile)

Gene: GRID2 (glutamate ionotropic receptor delta type subunit 2; plus strand). Cytogenetic location: 4q22.1.
Variant type: single nucleotide variant.
Coding change: c.142G>A on transcript NM_001510.4 (MANE Select); coding-DNA position 142, G replaced by A.
Protein change: p.Val48Ile; replaces valine 48 with isoleucine.
Molecular consequence: missense variant.
Genome position (GRCh38, 1-based): chr4:92,590,184, G>A. VCF-style: chr4-92590184-G-A. GRCh37 (hg19) VCF-style: chr4-93511335-G-A.
Other names: c.142G>A, p.Val48Ile (NM_001286838.1, NM_001440459.1); short protein forms V48I.
Identifiers: ClinVar variation 5008479 (VCV005008479.1).
Genomic context (GRCh38, chr4:92,590,184, plus strand): 5'-TTTCTAGGAGCAATTTTTGATGAATCTGCCAAAAAGGATGATGAGGTATTTCGCACTGCG[G>A]TTGGTGACCTTAACCAGAATGAGGAGATCTTACAGACTGAGAAAATCACATTTTCAGTGA-3'
Protein context (NP_001501.2, residues 38-58): KKDDEVFRTA[Val48Ile]GDLNQNEEIL

ClinVar aggregate classification (germline): Uncertain significance (1 of 4 stars; one submission).

gnomAD v4.1: 2 of 1,611,956 alleles (0.00012%); highest among the groups gnomAD compares: African/African-American, 0.0013%; no homozygotes.

Submission:

GeneDx
Classification: Uncertain significance. Last evaluated: 2026-03-03. Review status: criteria provided, single submitter. Criteria: GeneDx Variant Classification Process June 2021. Collection method: clinical testing. Allele origin: germline.
Comment: Not observed at significant frequency in large population cohorts (gnomAD); In silico analysis suggests that this missense variant does not alter protein structure/function; Has not been previously published as pathogenic or benign to our knowledge